The following is an entry in ClinVar:

ClinVar aggregate classification (germline): Uncertain significance (1 of 4 stars; one submission).

Allele frequency attached by ClinVar (database versions not stated): gnomAD exomes below 0.00001.
gnomAD v4.1: 2 of 1,613,158 alleles (0.00012%); highest among the groups gnomAD compares: South Asian, 0.0011%; no homozygotes.

Submission:

GeneDx
Classification: Uncertain significance. Last evaluated: 2022-07-21. Review status: criteria provided, single submitter. Criteria: GeneDx Variant Classification Process June 2021. Collection method: clinical testing. Allele origin: germline. Affected: yes.
Comment: Not observed at significant frequency in large population cohorts (gnomAD); In silico analysis supports that this missense variant does not alter protein structure/function; Has not been previously published as pathogenic or benign to our knowledge

NM_001164508.2(NEB):c.17749G>A (p.Glu5917Lys)

Gene: NEB (nebulin; minus strand). Cytogenetic location: 2q23.3.
Variant type: single nucleotide variant.
Coding change: c.17749G>A on transcript NM_001164508.2 (MANE Select); coding-DNA position 17749, G replaced by A.
Protein change: p.Glu5917Lys; replaces glutamic acid 5917 with lysine.
Molecular consequence: missense variant.
Genome position (GRCh38, 1-based): chr2:151,568,166, C>T on the plus strand (G>A on the coding strand, the complement: NEB is on the minus strand). VCF-style: chr2-151568166-C-T. GRCh37 (hg19) VCF-style: chr2-152424680-C-T.
Other names: c.17749G>A, p.Glu5917Lys (NM_001164507.2, NM_001271208.2); c.12646G>A, p.Glu4216Lys (NM_004543.5); short protein forms E4216K, E5917K.
Identifiers: ClinVar variation 2136050 (VCV002136050.1), dbSNP rs2552194244, ClinGen allele CA348804807.
Genomic context (GRCh38, chr2:151,568,166, plus strand): 5'-CAAATGGCACAGCATCTGGAGGCAAAATGTAACCTGTGGCTTTTTGTCTCTCCCAGCCTT[C>T]CTTGTAGAGATACTGAAAGACAGAGCCACCATAAAGGGTTAAAATGAGGAGTCAGAAGGG-3'
Protein context (NP_001157980.2, residues 5907-5927): ARILDQYLYK[Glu5917Lys]GWERQKATGY